The following is an entry in ClinVar:

ClinVar aggregate classification (germline): Uncertain significance (1 of 4 stars; one submission).

Conditions:
Arrhythmogenic right ventricular dysplasia 9 (ARVD9). Also called: Arrhythmogenic Right Ventricular Dysplasia/Cardiomyopathy 9; ARRHYTHMOGENIC RIGHT VENTRICULAR DYSPLASIA, FAMILIAL, 9. Identifiers: MedGen C1836906, MONDO:0012180, OMIM 609040.

Submission:

Labcorp Genetics (formerly Invitae), Labcorp
Classification: Uncertain significance for Arrhythmogenic right ventricular dysplasia 9. Last evaluated: 2022-05-02. Review status: criteria provided, single submitter. Criteria: Invitae Variant Classification Sherloc (09022015). Collection method: clinical testing. Allele origin: germline.
Comment: In summary, the available evidence is currently insufficient to determine the role of this variant in disease. Therefore, it has been classified as a Variant of Uncertain Significance. Algorithms developed to predict the effect of missense changes on protein structure and function are either unavailable or do not agree on the potential impact of this missense change (SIFT: "Tolerated"; PolyPhen-2: "Possibly Damaging"; Align-GVGD: "Class C0"). This variant has not been reported in the literature in individuals affected with PKP2-related conditions. This variant is not present in population databases (gnomAD no frequency). This sequence change replaces alanine, which is neutral and non-polar, with proline, which is neutral and non-polar, at codon 795 of the PKP2 protein (p.Ala795Pro).

NM_001005242.3(PKP2):c.2251G>C (p.Ala751Pro)

Gene: PKP2 (plakophilin 2; minus strand). Cytogenetic location: 12p11.21.
Variant type: single nucleotide variant.
Coding change: c.2251G>C on transcript NM_001005242.3 (MANE Select); coding-DNA position 2251, G replaced by C.
Protein change: p.Ala751Pro; replaces alanine 751 with proline.
Molecular consequence: missense variant.
Genome position (GRCh38, 1-based): chr12:32,796,215, C>G on the plus strand (G>C on the coding strand, the complement: PKP2 is on the minus strand). VCF-style: chr12-32796215-C-G. GRCh37 (hg19) VCF-style: chr12-32949149-C-G.
Other names: c.2086G>C, p.Ala696Pro (NM_001407156.1); c.1924G>C, p.Ala642Pro (NM_001407158.1, NM_001407159.1); c.2383G>C, p.Ala795Pro (NM_004572.4); short protein forms A696P, A751P, A642P, A795P.
Identifiers: ClinVar variation 2133013 (VCV002133013.4), dbSNP rs2541190222, ClinGen allele CA384357808.